The following is an entry in ClinVar:

ClinVar aggregate classification (germline): Uncertain significance. Review status: criteria provided, multiple submitters, no conflicts (2 of 4 stars). 2 submissions from 2 submitters: Uncertain significance (2). Last evaluated 2026-04-09.

Conditions:
Inborn genetic diseases. Identifiers: MedGen C0950123, MeSH D030342.

gnomAD v4.1: 6 of 1,613,594 alleles (0.00037%); highest among the groups gnomAD compares: African/African-American, 0.008%; no homozygotes.

Submissions (2):

Women's Health and Genetics/Laboratory Corporation of America, LabCorp
Classification: Uncertain significance. Last evaluated: 2026-04-09. Review status: criteria provided, single submitter. Criteria: LabCorp Variant Classification Summary - May 2015. Collection method: clinical testing. Allele origin: germline.
Comment: Variant summary: DHX30 c.3307A>G (p.Thr1103Ala) results in a non-conservative amino acid change in the encoded protein sequence. Algorithms developed to predict the effect of missense changes on protein structure and function are either unavailable or do not agree on the potential impact of this missense change. The variant allele was found at a frequency of 4e-06 in 250708 control chromosomes. The available data on variant occurrences in the general population are insufficient to allow any conclusion about variant significance. To our knowledge, no occurrence of c.3307A>G in individuals affected with DHX30-related conditions and no experimental evidence demonstrating its impact on protein function have been reported. ClinVar contains an entry for this variant (Variation ID: 4240225). Based on the evidence outlined above, the variant was classified as uncertain significance.

Ambry Genetics
Classification: Uncertain significance for Inborn genetic diseases. Last evaluated: 2025-08-07. Review status: criteria provided, single submitter. Criteria: Ambry Variant Classification Scheme 2023. Collection method: clinical testing. Allele origin: germline.

NM_138615.3(DHX30):c.3307A>G (p.Thr1103Ala)

Gene: DHX30 (DExH-box helicase 30; plus strand). Cytogenetic location: 3p21.31.
Variant type: single nucleotide variant.
Coding change: c.3307A>G on transcript NM_138615.3 (MANE Select); coding-DNA position 3307, A replaced by G.
Protein change: p.Thr1103Ala; replaces threonine 1103 with alanine.
Molecular consequence: missense variant.
Genome position (GRCh38, 1-based): chr3:47,849,745, A>G. VCF-style: chr3-47849745-A-G. GRCh37 (hg19) VCF-style: chr3-47891235-A-G.
Other names: c.3223A>G, p.Thr1075Ala (NM_001330990.2); c.3190A>G, p.Thr1064Ala (NM_014966.4); short protein forms T1064A, T1075A, T1103A.
Identifiers: ClinVar variation 4240225 (VCV004240225.2).